The following is an entry in ClinVar:

ClinVar aggregate classification (germline): Pathogenic/Likely pathogenic. Review status: criteria provided, multiple submitters, no conflicts (2 of 4 stars). 2 submissions from 2 submitters: Pathogenic (1); Likely pathogenic (1). Last evaluated 2025-10-01.

Conditions:
Multiple congenital anomalies-hypotonia-seizures syndrome 1 (MCAHS1). Also called: PIGN-CDG; Congenital disorder of glycosylation due to PIGN deficiency; GLYCOSYLPHOSPHATIDYLINOSITOL BIOSYNTHESIS DEFECT 3. Identifiers: Orphanet 280633, MedGen C3279775, MONDO:0013563, OMIM 614080.

Allele frequency attached by ClinVar (database versions not stated): gnomAD below 0.00001 and 0.00002; gnomAD exomes 0.00004; ExAC 0.00005.
gnomAD v4.1: 42 of 1,511,056 alleles (0.0028%); highest among the groups gnomAD compares: South Asian, 0.031%; no homozygotes.

Submissions (2):

Labcorp Genetics (formerly Invitae), Labcorp
Classification: Likely pathogenic for Multiple congenital anomalies-hypotonia-seizures syndrome 1. Last evaluated: 2025-10-01. Review status: criteria provided, single submitter. Criteria: Invitae Variant Classification Sherloc (09022015). Collection method: clinical testing. Allele origin: germline.
Comment: This sequence change affects an acceptor splice site in intron 29 of the PIGN gene. It is expected to disrupt RNA splicing. Variants that disrupt the donor or acceptor splice site typically lead to a loss of protein function (PMID: 16199547), and loss-of-function variants in PIGN are known to be pathogenic (PMID: 24253414, 27038415). The frequency data for this variant in the population databases is considered unreliable, as metrics indicate poor data quality at this position in the gnomAD database. Disruption of this splice site has been observed in individual(s) with epilepsy (PMID: 31440721). ClinVar contains an entry for this variant (Variation ID: 663869). Algorithms developed to predict the effect of sequence changes on RNA splicing suggest that this variant may disrupt the consensus splice site. In summary, the currently available evidence indicates that the variant is pathogenic, but additional data are needed to prove that conclusively. Therefore, this variant has been classified as Likely Pathogenic.

GeneDx
Classification: Pathogenic. Last evaluated: 2025-09-23. Review status: criteria provided, single submitter. Criteria: GeneDx Variant Classification Process June 2021. Collection method: clinical testing. Allele origin: germline. Affected: yes.
Comment: Reported in an individual with epilepsy, however it is unknown if a second PIGN variant was also identified (PMID: 31440721); Canonical splice site variant predicted to result in a null allele in a gene for which loss of function is a known mechanism of disease; This variant is associated with the following publications: (PMID: 31440721)

Literature cited by the submitters: PubMed 16199547 (cited by Labcorp Genetics (formerly Invitae), Labcorp); PubMed 24253414 (cited by Labcorp Genetics (formerly Invitae), Labcorp); PubMed 27038415 (cited by Labcorp Genetics (formerly Invitae), Labcorp); PubMed 31440721 (cited by Labcorp Genetics (formerly Invitae), Labcorp).

NM_176787.5(PIGN):c.2620-1G>A

Gene: PIGN (phosphatidylinositol glycan anchor biosynthesis class N; minus strand). Cytogenetic location: 18q21.33.
Variant type: single nucleotide variant.
Coding change: c.2620-1G>A on transcript NM_176787.5 (MANE Select); the canonical splice acceptor site of the intron before coding-DNA position 2620, G replaced by A.
Molecular consequence: splice acceptor variant.
Genome position (GRCh38, 1-based): chr18:62,072,726, C>T on the plus strand (G>A on the coding strand, the complement: PIGN is on the minus strand). VCF-style: chr18-62072726-C-T. GRCh37 (hg19) VCF-style: chr18-59739959-C-T.
Other names: c.2620-1G>A (NM_012327.6).
Identifiers: ClinVar variation 663869 (VCV000663869.8), dbSNP rs759453664, ClinGen allele CA8981911.